The following is an entry in ClinVar:

NM_020964.3(EPG5):c.7312G>A (p.Val2438Ile)

Gene: EPG5 (ectopic P-granules 5 autophagy tethering factor; minus strand). Cytogenetic location: 18q12.3.
Variant type: single nucleotide variant.
Coding change: c.7312G>A on transcript NM_020964.3 (MANE Select); coding-DNA position 7312, G replaced by A.
Protein change: p.Val2438Ile; replaces valine 2438 with isoleucine.
Molecular consequence: missense variant.
Genome position (GRCh38, 1-based): chr18:45,857,983, C>T on the plus strand (G>A on the coding strand, the complement: EPG5 is on the minus strand). VCF-style: chr18-45857983-C-T. GRCh37 (hg19) VCF-style: chr18-43437948-C-T.
Other names: c.7312G>A (NM_020964.2); short protein forms V2438I.
Identifiers: ClinVar variation 1507761 (VCV001507761.8), dbSNP rs868233133, ClinGen allele CA299692387.

ClinVar aggregate classification (germline): Uncertain significance. Review status: criteria provided, multiple submitters, no conflicts (2 of 4 stars). 2 submissions from 2 submitters: Uncertain significance (2). Last evaluated 2025-05-26.

Conditions:
Inborn genetic diseases. Identifiers: MedGen C0950123, MeSH D030342.
Vici syndrome (VICIS). Identifiers: Orphanet 1493, MedGen C1855772, MONDO:0009452, OMIM 242840.

Allele frequency attached by ClinVar (database versions not stated): gnomAD exomes below 0.00001 and 0.00003; gnomAD 0.00001; TOPMed 0.00004.
gnomAD v4.1: 40 of 1,613,640 alleles (0.0025%); highest among the groups gnomAD compares: African/African-American, 0.004%; no homozygotes.

Submissions (2):

Labcorp Genetics (formerly Invitae), Labcorp
Classification: Uncertain significance for Vici syndrome. Last evaluated: 2025-05-26. Review status: criteria provided, single submitter. Criteria: Invitae Variant Classification Sherloc (09022015). Collection method: clinical testing. Allele origin: germline.
Comment: This sequence change replaces valine, which is neutral and non-polar, with isoleucine, which is neutral and non-polar, at codon 2438 of the EPG5 protein (p.Val2438Ile). This variant is present in population databases (no rsID available, gnomAD 0.002%). This variant has not been reported in the literature in individuals affected with EPG5-related conditions. ClinVar contains an entry for this variant (Variation ID: 1507761). Invitae Evidence Modeling of protein sequence and biophysical properties (such as structural, functional, and spatial information, amino acid conservation, physicochemical variation, residue mobility, and thermodynamic stability) indicates that this missense variant is not expected to disrupt EPG5 protein function with a negative predictive value of 80%. In summary, the available evidence is currently insufficient to determine the role of this variant in disease. Therefore, it has been classified as a Variant of Uncertain Significance.

Ambry Genetics
Classification: Uncertain significance for Inborn genetic diseases. Last evaluated: 2025-05-20. Review status: criteria provided, single submitter. Criteria: Ambry Variant Classification Scheme 2023. Collection method: clinical testing. Allele origin: germline.